The following is an entry in ClinVar:

NM_004608.4(TBX6):c.1278C>T (p.Gly426=)

Gene: TBX6 (T-box transcription factor 6; minus strand). Cytogenetic location: 16p11.2.
Variant type: single nucleotide variant.
Coding change: c.1278C>T on transcript NM_004608.4 (MANE Select); coding-DNA position 1278, C replaced by T.
Protein change: p.Gly426=; no amino-acid change (glycine 426 retained).
Molecular consequence: synonymous variant.
Genome position (GRCh38, 1-based): chr16:30,086,258, G>A on the plus strand (C>T on the coding strand, the complement: TBX6 is on the minus strand). VCF-style: chr16-30086258-G-A. GRCh37 (hg19) VCF-style: chr16-30097579-G-A.
Identifiers: ClinVar variation 931092 (VCV000931092.3), dbSNP rs577918214, ClinGen allele CA494603525.
Genomic context (GRCh38, chr16:30,086,258, plus strand): 5'-ATGGAGGCAGAGGGGCCCAGCAGTGGTTCAGTACATGGGTTTGGAGCCCACATCCAGATA[G>A]CCCCCAGGCGCGGTGTATGGTAGAGGGAAGGGGCCCCCTTGGAGAAAGTGCGGGGCAAAG-3'
Protein context (NP_004599.2, residues 416-436): PFPLPYTAPG[Gly426=]YLDVGSKPMY

ClinVar aggregate classification (germline): Uncertain significance (1 of 4 stars; one submission).

Conditions:
Spondylocostal dysostosis 5 (SCDO5). Also called: SCOLIOSIS, CONGENITAL, WITH OR WITHOUT RIB ANOMALIES. Identifiers: MedGen C4083048, MONDO:0007389, OMIM 122600.

gnomAD v4.1: 1 of 1,612,122 alleles (0.000062%); highest among the groups gnomAD compares: South Asian, 0.0011%; no homozygotes.

Submission:

Centre for Mendelian Genomics, University Medical Centre Ljubljana
Classification: Uncertain significance for Spondylocostal dysostosis 5. Last evaluated: 2019-07-10. Review status: criteria provided, single submitter. Criteria: ACMG Guidelines, 2015. Collection method: clinical testing. Allele origin: unknown. Affected: yes.
Comment: This variant was classified as: Uncertain significance. The available evidence on this variant's pathogenicity is insufficient or conflicting. The following ACMG criteria were applied in classifying this variant: PM2.